The following is an entry in ClinVar:

ClinVar aggregate classification (germline): Pathogenic/Likely pathogenic. Review status: criteria provided, multiple submitters, no conflicts (2 of 4 stars). 2 submissions from 2 submitters: Pathogenic (1); Likely pathogenic (1). Last evaluated 2024-11-25.

Conditions:
Leber congenital amaurosis 2 (LCA2). Also called: AMAUROSIS CONGENITA OF LEBER II; Autosomal Recessive RPE65-Related Retinal Degeneration. Identifiers: Orphanet 65, MedGen C1859844, MONDO:0008765, OMIM 204100. Disease mechanism: loss of function.
Retinitis pigmentosa 20 (RP20). Identifiers: Orphanet 791, MedGen C3151086, MONDO:0013425, OMIM 613794.
Leber congenital amaurosis (LCA). Also called: Leber's amaurosis. Identifiers: Orphanet 65, MedGen C0339527, MeSH D057130, MONDO:0018998.

Submissions (2):

Natera, Inc.
Classification: Likely pathogenic for Leber congenital amaurosis. Last evaluated: 2024-11-25. Review status: criteria provided, single submitter. Criteria: Natera Variant Classification Schema (03/2026). Collection method: clinical testing. Allele origin: germline.
Comment: The c.513T>A variant in RPE65 is a nonsense variant predicted to introduce a stop codon at amino acid 171. This variant is expected to result in nonsense mediated decay, truncation, or a dysfunctional protein product. This variant is rare in the general population with a frequency below the threshold expected for the associated phenotype(s). Given the available evidence, this variant is classified as Likely Pathogenic.

Labcorp Genetics (formerly Invitae), Labcorp
Classification: Pathogenic for Leber congenital amaurosis 2; Retinitis pigmentosa 20. Last evaluated: 2023-09-19. Review status: criteria provided, single submitter. Criteria: Invitae Variant Classification Sherloc (09022015). Collection method: clinical testing. Allele origin: germline.
Comment: This variant is not present in population databases (gnomAD no frequency). For these reasons, this variant has been classified as Pathogenic. This variant has not been reported in the literature in individuals affected with RPE65-related conditions. This sequence change creates a premature translational stop signal (p.Tyr171*) in the RPE65 gene. It is expected to result in an absent or disrupted protein product. Loss-of-function variants in RPE65 are known to be pathogenic (PMID: 9326941, 9501220, 9843205, 18632300).

Literature cited by the submitters: PubMed 9326941 (cited by Labcorp Genetics (formerly Invitae), Labcorp); PubMed 9501220 (cited by Labcorp Genetics (formerly Invitae), Labcorp); PubMed 9843205 (cited by Labcorp Genetics (formerly Invitae), Labcorp); PubMed 18632300 (cited by Labcorp Genetics (formerly Invitae), Labcorp).

NM_000329.3(RPE65):c.513T>A (p.Tyr171Ter)

Gene: RPE65 (retinoid isomerohydrolase RPE65; minus strand). Cytogenetic location: 1p31.3.
Variant type: single nucleotide variant.
Coding change: c.513T>A on transcript NM_000329.3 (MANE Select); coding-DNA position 513, T replaced by A.
Protein change: p.Tyr171Ter; replaces tyrosine 171 with a stop codon.
Molecular consequence: nonsense.
Genome position (GRCh38, 1-based): chr1:68,440,983, A>T on the plus strand (T>A on the coding strand, the complement: RPE65 is on the minus strand). VCF-style: chr1-68440983-A-T. GRCh37 (hg19) VCF-style: chr1-68906666-A-T.
Other names: c.513T>A (NM_000329.2); c.405T>A, p.Tyr135Ter (NM_001406853.1); c.237T>A, p.Tyr79Ter (NM_001406856.1, NM_001406857.1); c.513T>A, p.Tyr171Ter (NM_001406859.1); short protein forms Y171*, Y79*, Y135*.
Identifiers: ClinVar variation 2952069 (VCV002952069.4), dbSNP rs1294621553, ClinGen allele CA340747196.
Genomic context (GRCh38, chr1:68,440,983, plus strand): 5'-ATTGTAAACGGTTCCATCATTTTCAATGTGGGGGTGAGCAGTGGCCCCATTGACAGAGAC[A>T]TAGTTGCAAAGATCAACCTACGGAAGTAAAGTGAATGTCCTCCAGTTGAGAGAAGGAAGA-3'